The following is an entry in ClinVar:

NM_000057.4(BLM):c.1221-2A>C

Gene: BLM (BLM RecQ like helicase; plus strand). Cytogenetic location: 15q26.1.
Variant type: single nucleotide variant.
Coding change: c.1221-2A>C on transcript NM_000057.4 (MANE Select); the canonical splice acceptor site of the intron before coding-DNA position 1221, A replaced by C.
Molecular consequence: splice acceptor variant.
Genome position (GRCh38, 1-based): chr15:90,760,592, A>C. VCF-style: chr15-90760592-A-C. GRCh37 (hg19) VCF-style: chr15-91303822-A-C.
Other names: c.1221-2A>C (NM_001287246.2, NM_001287247.2); c.96-2A>C (NM_001287248.2).
Identifiers: ClinVar variation 554578 (VCV000554578.8), dbSNP rs1555419779, ClinGen allele CA393842584.

ClinVar aggregate classification (germline): Conflicting classifications of pathogenicity. Review status: criteria provided, conflicting classifications (1 of 4 stars). 4 submissions from 4 submitters: Likely pathogenic (2); Uncertain significance (1). 1 of the submissions does not count toward it. Last evaluated 2024-01-18.

Conditions:
Bloom syndrome (BLM). Also called: Bloom-Torre-Machacek syndrome. Identifiers: Orphanet 125, MedGen C0005859, MONDO:0008876, OMIM 210900.

Submissions (4):

Baylor Genetics
Classification: Likely pathogenic for Bloom syndrome. Last evaluated: 2024-01-18. Review status: criteria provided, single submitter. Criteria: ACMG Guidelines, 2015. Collection method: clinical testing. Allele origin: unknown.

GeneDx
Classification: Likely pathogenic. Last evaluated: 2023-06-09. Review status: criteria provided, single submitter. Criteria: GeneDx Variant Classification Process June 2021. Collection method: clinical testing. Allele origin: germline. Affected: yes.
Comment: Canonical splice site variant predicted to result in a null allele in a gene for which loss of function is a known mechanism of disease; Not observed at significant frequency in large population cohorts (gnomAD); Observed in an individual with breast cancer (Hata et al., 2020); This variant is associated with the following publications: (PMID: 32029870)

Labcorp Genetics (formerly Invitae), Labcorp
Classification: Uncertain significance for Bloom syndrome. Last evaluated: 2023-02-16. Review status: criteria provided, single submitter. Criteria: Invitae Variant Classification Sherloc (09022015). Collection method: clinical testing. Allele origin: germline.
Comment: In summary, the available evidence is currently insufficient to determine the role of this variant in disease. Therefore, it has been classified as a Variant of Uncertain Significance. Studies have shown that disruption of this splice site is associated with altered splicing resulting in multiple RNA products (Invitae). ClinVar contains an entry for this variant (Variation ID: 554578). Disruption of this splice site has been observed in individual(s) with breast cancer (PMID: 32029870). This variant is not present in population databases (gnomAD no frequency). This sequence change affects an acceptor splice site in intron 6 of the BLM gene. It is expected to disrupt RNA splicing. Variants that disrupt the donor or acceptor splice site typically lead to a loss of protein function (PMID: 16199547), and loss-of-function variants in BLM are known to be pathogenic (PMID: 17407155).

Counsyl
Classification: Likely pathogenic for Bloom syndrome. Last evaluated: 2017-10-26. Review status: no assertion criteria provided. Collection method: clinical testing. Allele origin: unknown. Not counted in ClinVar's aggregate classification.

Literature cited by the submitters: PubMed 32029870 (cited by Labcorp Genetics (formerly Invitae), Labcorp); PubMed 16199547 (cited by Labcorp Genetics (formerly Invitae), Labcorp); PubMed 17407155 (cited by Labcorp Genetics (formerly Invitae), Labcorp).